The following is an entry in ClinVar:

NM_177438.3(DICER1):c.173A>G (p.His58Arg)

Gene: DICER1 (dicer 1, ribonuclease III; minus strand). Cytogenetic location: 14q32.13.
Variant type: single nucleotide variant.
Coding change: c.173A>G on transcript NM_177438.3 (MANE Select); coding-DNA position 173, A replaced by G.
Protein change: p.His58Arg; replaces histidine 58 with arginine.
Molecular consequence: missense variant.
Genome position (GRCh38, 1-based): chr14:95,132,649, T>C on the plus strand (A>G on the coding strand, the complement: DICER1 is on the minus strand). VCF-style: chr14-95132649-T-C. GRCh37 (hg19) VCF-style: chr14-95598986-T-C.
Other names: c.173A>G, p.His58Arg (NM_001195573.1, NM_001271282.3, NM_001291628.2 and 1 more transcripts); short protein forms H58R.
Identifiers: ClinVar variation 819961 (VCV000819961.16), dbSNP rs1595466613, ClinGen allele CA390890072.
Genomic context (GRCh38, chr14:95,132,649, plus strand): 5'-GTGAGTAGTACTGCAATAAATGTCTTCCCTGAGCCAGTGTTTAAACAGACGATGGTATTA[T>C]GATCCAGAGCTGCTTCAAGCAGTTCAACCTAGAAACATGGTGAAAAAAAAGTTATGCACT-3'
Protein context (NP_803187.1, residues 48-68): QVELLEAALD[His58Arg]NTIVCLNTGS

ClinVar aggregate classification (germline): Uncertain significance. Review status: criteria provided, multiple submitters, no conflicts (2 of 4 stars). 3 submissions from 3 submitters: Uncertain significance (3). Last evaluated 2025-08-11.

Conditions:
DICER1-related tumor predisposition. Also called: DICER1-related pleuropulmonary blastoma cancer predisposition syndrome; DICER1 syndrome. Identifiers: Orphanet 284343, MedGen C3839822, MONDO:0100216.
Hereditary cancer-predisposing syndrome. Also called: Hereditary Cancer Syndrome; Neoplastic Syndromes, Hereditary; Hereditary neoplastic syndrome; Tumor predisposition. Identifiers: Orphanet 140162, MedGen C0027672, MeSH D009386, MONDO:0015356.

Submissions (3):

Labcorp Genetics (formerly Invitae), Labcorp
Classification: Uncertain significance for DICER1-related tumor predisposition. Last evaluated: 2025-08-11. Review status: criteria provided, single submitter. Criteria: Invitae Variant Classification Sherloc (09022015). Collection method: clinical testing. Allele origin: germline.
Comment: This sequence change replaces histidine, which is basic and polar, with arginine, which is basic and polar, at codon 58 of the DICER1 protein (p.His58Arg). This variant is not present in population databases (gnomAD no frequency). This variant has not been reported in the literature in individuals affected with DICER1-related conditions. ClinVar contains an entry for this variant (Variation ID: 819961). Invitae Evidence Modeling of protein sequence and biophysical properties (such as structural, functional, and spatial information, amino acid conservation, physicochemical variation, residue mobility, and thermodynamic stability) indicates that this missense variant is not expected to disrupt DICER1 protein function with a negative predictive value of 95%. In summary, the available evidence is currently insufficient to determine the role of this variant in disease. Therefore, it has been classified as a Variant of Uncertain Significance.

Revvity Omics, Revvity
Classification: Uncertain significance. Last evaluated: 2023-09-27. Review status: criteria provided, single submitter. Criteria: ACMG Guidelines, 2015. Collection method: clinical testing. Allele origin: germline.

Ambry Genetics
Classification: Uncertain significance for Hereditary cancer-predisposing syndrome. Last evaluated: 2023-09-20. Review status: criteria provided, single submitter. Criteria: Ambry Variant Classification Scheme 2023. Collection method: clinical testing. Allele origin: germline.
Comment: The p.H58R variant (also known as c.173A>G), located in coding exon 2 of the DICER1 gene, results from an A to G substitution at nucleotide position 173. The histidine at codon 58 is replaced by arginine, an amino acid with highly similar properties. This amino acid position is not well conserved in available vertebrate species. In addition, this alteration is predicted to be tolerated by in silico analysis. Since supporting evidence is limited at this time, the clinical significance of this alteration remains unclear.